The following is an entry in ClinVar:

NM_000543.5(SMPD1):c.1025G>A (p.Trp342Ter)

Gene: SMPD1 (sphingomyelin phosphodiesterase 1; plus strand). Cytogenetic location: 11p15.4.
Variant type: single nucleotide variant.
Coding change: c.1025G>A on transcript NM_000543.5 (MANE Select); coding-DNA position 1025, G replaced by A.
Protein change: p.Trp342Ter; replaces tryptophan 342 with a stop codon.
Molecular consequence: nonsense. On other transcripts: missense variant (1), non-coding transcript variant (1).
Genome position (GRCh38, 1-based): chr11:6,392,090, G>A. VCF-style: chr11-6392090-G-A. GRCh37 (hg19) VCF-style: chr11-6413320-G-A.
Other names: c.1022G>A, p.Trp341Ter (NM_001007593.3); c.1025G>A, p.Trp342Ter (NM_001318087.2, NM_001365135.2); c.64G>A, p.Gly22Ser (NM_001318088.2); short protein forms W342*, G22S, W341*.
Identifiers: ClinVar variation 813479 (VCV000813479.7), dbSNP rs1470998208, ClinGen allele CA379371701.

ClinVar aggregate classification (germline): Pathogenic/Likely pathogenic. Review status: criteria provided, multiple submitters, no conflicts (2 of 4 stars). 2 submissions from 2 submitters: Pathogenic (1); Likely pathogenic (1). Last evaluated 2022-10-31.

Conditions:
Niemann-Pick disease, type B. Also called: Chronic Visceral ASMD (Niemann-Pick Disease Type B; NPD-B). Identifiers: Orphanet 77293, MedGen C0268243, MONDO:0011871, OMIM 607616. Disease mechanism: loss of function.
Niemann-Pick disease, type A. Also called: Infantile Neurovisceral ASMD (Niemann-Pick Disease Type A; NPD-A); SPHINGOMYELIN LIPIDOSIS; SPHINGOMYELINASE DEFICIENCY. Identifiers: Orphanet 77292, MedGen C0268242, MONDO:0009756, OMIM 257200. Disease mechanism: loss of function.

Allele frequency attached by ClinVar (database versions not stated): gnomAD exomes below 0.00001.

Submissions (2):

Labcorp Genetics (formerly Invitae), Labcorp
Classification: Pathogenic for Niemann-Pick disease, type B; Niemann-Pick disease, type A. Last evaluated: 2022-10-31. Review status: criteria provided, single submitter. Criteria: Invitae Variant Classification Sherloc (09022015). Collection method: clinical testing. Allele origin: germline.
Comment: This sequence change creates a premature translational stop signal (p.Trp342*) in the SMPD1 gene. It is expected to result in an absent or disrupted protein product. Loss-of-function variants in SMPD1 are known to be pathogenic (PMID: 12369017, 15221801). This variant is present in population databases (no rsID available, gnomAD 0.0009%). This variant has not been reported in the literature in individuals affected with SMPD1-related conditions. ClinVar contains an entry for this variant (Variation ID: 813479). Algorithms developed to predict the effect of sequence changes on RNA splicing suggest that this variant may create or strengthen a splice site. For these reasons, this variant has been classified as Pathogenic.

Baylor Genetics
Classification: Likely pathogenic for Niemann-Pick disease, type A. Review status: criteria provided, single submitter. Criteria: ACMG Guidelines, 2015. Collection method: clinical testing. Allele origin: germline.

Literature cited by the submitters: PubMed 12369017 (cited by Labcorp Genetics (formerly Invitae), Labcorp); PubMed 15221801 (cited by Labcorp Genetics (formerly Invitae), Labcorp).